The following is an entry in ClinVar:

NM_024312.5(GNPTAB):c.850del (p.Thr284fs)

Gene: GNPTAB (N-acetylglucosamine-1-phosphate transferase subunits alpha and beta; minus strand). Cytogenetic location: 12q23.2.
Variant type: Deletion.
Coding change: c.850del on transcript NM_024312.5 (MANE Select); coding-DNA position 850, one base deleted (A; older notation c.850delA).
Protein change: p.Thr284fs; shifts the reading frame from threonine 284.
Molecular consequence: frameshift variant.
Genome position (GRCh38, 1-based): chr12:101,771,079, T deleted on the plus strand (A on the coding strand, the reverse complement: GNPTAB is on the minus strand); the first of 3 consecutive T bases (chr12:101,771,079-101,771,081); deleting any one gives the same sequence. VCF-style (leftmost placement, unchanged base first): chr12-101771078-GT-G. GRCh37 (hg19) VCF-style: chr12-102164856-GT-G.
Other names: AY687932:c.848delA; short protein forms T284fs.
Identifiers: ClinVar variation 38434 (VCV000038434.11), dbSNP rs34517004, ClinGen allele CA343087.

ClinVar aggregate classification (germline): Pathogenic. Review status: criteria provided, multiple submitters, no conflicts (2 of 4 stars). 3 submissions from 3 submitters: Pathogenic (2). 1 of the submissions does not count toward it. Last evaluated 2026-09-23.

Conditions:
Fetal anomalies with a likely genetic cause.
Mucolipidosis type II. Also called: Mucolipidosis II Alpha/Beta; Mucolipidosis 2; ML 2; Inclusion cell disease; Leroy Disease; N-acetylglucosamine 1phosphotransferase deficiency. Identifiers: Orphanet 576, MedGen C2673377, MONDO:0009650, OMIM 252500.
Pseudo-Hurler polydystrophy. Also called: Type III Mucolipidosis; ML IIIA; Mucolipidosis III Alpha/Beta; MUCOLIPIDOSIS IIIA; ML III; ML III ALPHA/BETA. Identifiers: Orphanet 423461, Orphanet 577, MedGen C0033788, MONDO:0018931, OMIM 252600.

Submissions (3):

Genetics Laboratory, Great Ormond Street Hospital NHS Foundation Trust, North Thames Genomic Laboratory Hub
Classification: Pathogenic for Fetal anomalies with a likely genetic cause. Last evaluated: 2026-09-23. Review status: criteria provided, single submitter. Criteria: ACGS Best Practice Guidelines for Variant Classification in Rare Disease 2024 v1.2. Collection method: clinical testing. Allele origin: germline. Affected: yes.
Comment: PM2_moderate, PVS1_very-strong, PM3_moderate

Labcorp Genetics (formerly Invitae), Labcorp
Classification: Pathogenic for Pseudo-Hurler polydystrophy; Mucolipidosis type II. Last evaluated: 2022-02-17. Review status: criteria provided, single submitter. Criteria: Invitae Variant Classification Sherloc (09022015). Collection method: clinical testing. Allele origin: germline.
Comment: This sequence change creates a premature translational stop signal (p.Thr284Leufs*5) in the GNPTAB gene. It is expected to result in an absent or disrupted protein product. Loss-of-function variants in GNPTAB are known to be pathogenic (PMID: 19617216, 25107912). For these reasons, this variant has been classified as Pathogenic. ClinVar contains an entry for this variant (Variation ID: 38434). This variant is also known as FS288X, 1012delA. This premature translational stop signal has been observed in individual(s) with clinical features of mucolipidosis type II (PMID: 16465621). This variant is not present in population databases (gnomAD no frequency).

GeneReviews
Classification: Pathogenic for Mucolipidosis III Alpha/Beta. Last evaluated: 2012-05-10. Review status: no assertion criteria provided. Collection method: curation. Allele origin: unknown. Not counted in ClinVar's aggregate classification.
ClinVar note: Converted during submission from pathologic to Pathogenic.

Literature cited by the submitters: PubMed 19617216 (cited by Labcorp Genetics (formerly Invitae), Labcorp); PubMed 25107912 (cited by Labcorp Genetics (formerly Invitae), Labcorp); PubMed 16465621 (cited by Labcorp Genetics (formerly Invitae), Labcorp).